The following is an entry in ClinVar:

ClinVar aggregate classification (germline): Uncertain significance (1 of 4 stars; one submission).

Conditions:
Renal cell carcinoma. Identifiers: Orphanet 217071, MedGen C0007134, MeSH D002292, MONDO:0005086, HP:0005584.

Submission:

Labcorp Genetics (formerly Invitae), Labcorp
Classification: Uncertain significance for Renal cell carcinoma. Last evaluated: 2019-10-08. Review status: criteria provided, single submitter. Criteria: Invitae Variant Classification Sherloc (09022015). Collection method: clinical testing. Allele origin: germline.
Comment: In summary, the available evidence is currently insufficient to determine the role of this variant in disease. Therefore, it has been classified as a Variant of Uncertain Significance. Algorithms developed to predict the effect of missense changes on protein structure and function (SIFT, PolyPhen-2, Align-GVGD) all suggest that this variant is likely to be disruptive, but these predictions have not been confirmed by published functional studies and their clinical significance is uncertain. This variant has not been reported in the literature in individuals with MET-related conditions. This variant is not present in population databases (ExAC no frequency). This sequence change replaces alanine with valine at codon 1299 of the MET protein (p.Ala1299Val). The alanine residue is highly conserved and there is a small physicochemical difference between alanine and valine.

NM_000245.4(MET):c.3842C>T (p.Ala1281Val)

Gene: MET (MET proto-oncogene, receptor tyrosine kinase; plus strand). Cytogenetic location: 7q31.2.
Variant type: single nucleotide variant.
Coding change: c.3842C>T on transcript NM_000245.4 (MANE Select); coding-DNA position 3842, C replaced by T.
Protein change: p.Ala1281Val; replaces alanine 1281 with valine.
Molecular consequence: missense variant.
Genome position (GRCh38, 1-based): chr7:116,795,698, C>T. VCF-style: chr7-116795698-C-T. GRCh37 (hg19) VCF-style: chr7-116435752-C-T.
Other names: c.3896C>T, p.Ala1299Val (NM_001127500.3); c.2552C>T, p.Ala851Val (NM_001324402.2); short protein forms A1299V, A1281V, A851V.
Identifiers: ClinVar variation 955516 (VCV000955516.9), dbSNP rs750337451, ClinGen allele CA369117817.
Genomic context (GRCh38, chr7:116,795,698, plus strand): 5'-GTTTCTTGTTTTACTAGTGGTCCTTTGGCGTGCTCCTCTGGGAGCTGATGACAAGAGGAG[C>T]CCCACCTTATCCTGACGTAAACACCTTTGATATAACTGTTTACTTGTTGCAAGGGAGAAG-3'
Protein context (NP_000236.2, residues 1271-1291): VLLWELMTRG[Ala1281Val]PPYPDVNTFD